The following is an entry in ClinVar:

ClinVar aggregate classification (germline): Uncertain significance (1 of 4 stars; one submission).

Conditions:
Peroxisome biogenesis disorder. Identifiers: Orphanet 79189, MedGen C1832200, MONDO:0019234. Disease mechanism: loss of function.

Submission:

Labcorp Genetics (formerly Invitae), Labcorp
Classification: Uncertain significance for Peroxisome biogenesis disorder. Last evaluated: 2022-07-29. Review status: criteria provided, single submitter. Criteria: Invitae Variant Classification Sherloc (09022015). Collection method: clinical testing. Allele origin: germline.
Comment: This variant has not been reported in the literature in individuals affected with PEX6-related conditions. This sequence change replaces lysine, which is basic and polar, with threonine, which is neutral and polar, at codon 769 of the PEX6 protein (p.Lys769Thr). This variant is not present in population databases (gnomAD no frequency). Algorithms developed to predict the effect of missense changes on protein structure and function are either unavailable or do not agree on the potential impact of this missense change (SIFT: "Deleterious"; PolyPhen-2: "Probably Damaging"; Align-GVGD: "Class C0"). In summary, the available evidence is currently insufficient to determine the role of this variant in disease. Therefore, it has been classified as a Variant of Uncertain Significance.

NM_000287.4(PEX6):c.2306A>C (p.Lys769Thr)

Gene: PEX6 (peroxisomal biogenesis factor 6; minus strand). Cytogenetic location: 6p21.1.
Variant type: single nucleotide variant.
Coding change: c.2306A>C on transcript NM_000287.4 (MANE Select); coding-DNA position 2306, A replaced by C.
Protein change: p.Lys769Thr; replaces lysine 769 with threonine.
Molecular consequence: missense variant.
Genome position (GRCh38, 1-based): chr6:42,966,100, T>G on the plus strand (A>C on the coding strand, the complement: PEX6 is on the minus strand). VCF-style: chr6-42966100-T-G. GRCh37 (hg19) VCF-style: chr6-42933838-T-G.
Other names: c.2042A>C, p.Lys681Thr (NM_001316313.2); short protein forms K681T, K769T.
Identifiers: ClinVar variation 1714061 (VCV001714061.6), dbSNP rs2481205894, ClinGen allele CA364152006.